The following is an entry in ClinVar:

NM_000182.5(HADHA):c.356_359del (p.Leu119fs)

Gene: HADHA (hydroxyacyl-CoA dehydrogenase trifunctional multienzyme complex subunit alpha; minus strand). Cytogenetic location: 2p23.3.
Variant type: Deletion.
Coding change: c.356_359del on transcript NM_000182.5 (MANE Select); coding-DNA positions 356 to 359, 4 bases deleted (TATC; older notation c.356_359delTATC).
Protein change: p.Leu119fs; shifts the reading frame from leucine 119.
Molecular consequence: frameshift variant.
Genome position (GRCh38, 1-based): chr2:26,234,311-26,234,314, GATA deleted on the plus strand (TATC on the coding strand, the reverse complement: HADHA is on the minus strand); deleting any 4 consecutive bases within chr2:26,234,311-26,234,315 gives the same sequence; the c. name uses the placement nearest the transcript's 3' end. VCF-style (leftmost placement, unchanged base first): chr2-26234310-TGATA-T. GRCh37 (hg19) VCF-style: chr2-26457178-TGATA-T.
Other names: short protein forms L119fs.
Identifiers: ClinVar variation 5012664 (VCV005012664.1).

ClinVar aggregate classification (germline): Pathogenic (1 of 4 stars; one submission).

Conditions:
Long chain 3-hydroxyacyl-CoA dehydrogenase deficiency. Also called: Deficiency of long-chain 3-hydroxyacyl-coenzyme A dehydrogenase; LCHAD Deficiency. Identifiers: Orphanet 5, MedGen C3711645, MONDO:0012173, OMIM 609016.

Submission:

Myriad Genetics, Inc.
Classification: Pathogenic for Long chain 3-hydroxyacyl-CoA dehydrogenase deficiency. Last evaluated: 2024-01-21. Review status: criteria provided, single submitter. Criteria: Myriad Autosomal Dominant, Autosomal Recessive and X-Linked Classification Criteria (2023). Collection method: clinical testing. Allele origin: unknown.
Comment: NM_000182.4(HADHA):c.356_359delTATC(L119Hfs*7) is expected to be pathogenic in the context of HADHA-related disorders. This variant is predicted to lead to an abnormal or absent protein product due to the creation of a premature termination codon in HADHA, a gene where loss-of-function variants are known to be pathogenic. Please note: this variant was assessed in the context of healthy population screening.